The following is an entry in ClinVar:

NM_000179.3(MSH6):c.847_850dup (p.Asp284fs)

Gene: MSH6 (mutS homolog 6; plus strand). Cytogenetic location: 2p16.3.
Variant type: Duplication.
Coding change: c.847_850dup on transcript NM_000179.3 (MANE Select); coding-DNA positions 847 to 850, 4 bases duplicated (GGGG; older notation c.847_850dupGGGG).
Protein change: p.Asp284fs; shifts the reading frame from aspartic acid 284.
Molecular consequence: frameshift variant. On other transcripts: 5 prime UTR variant (2).
Genome position (GRCh38, 1-based): chr2:47,798,830-47,798,833, GGGG duplicated; duplicating any 4 consecutive bases within chr2:47,798,829-47,798,833 gives the same sequence; the c. name uses the placement nearest the transcript's 3' end. VCF-style (leftmost placement, unchanged base first): chr2-47798828-T-TGGGG. GRCh37 (hg19) VCF-style: chr2-48025967-T-TGGGG.
Other names: c.550_553dup, p.Asp185Glyfs (NM_001406805.1, NM_001406797.1, NM_001406801.1 and 10 more transcripts); c.847_850dup, p.Asp284Glyfs (NM_001406809.1, NM_001406808.1, NM_001406796.1 and 4 more transcripts); c.-60_-57dup (NM_001406811.1, NM_001406812.1, NM_001281493.2 and 6 more transcripts); c.322_325dup, p.Asp109Glyfs (NM_001406807.1, NM_001406806.1, NM_001406799.1); c.457_460dup, p.Asp154fs (NM_001281492.2); c.943_946dup, p.Asp316Glyfs (NM_001406795.1, NM_001406802.1); c.769_772dup, p.Asp258Glyfs (NM_001406804.1); c.853_856dup, p.Asp286Glyfs (NM_001406813.1); and 2 more; short protein forms D284fs, D154fs.
Identifiers: ClinVar variation 1763509 (VCV001763509.2), dbSNP rs267608062, ClinGen allele CA2580067253.
Genomic context (GRCh38, chr2:47,798,828, plus strand): 5'-ATGTGGAATTTAAGCCAGACACTAAGGAGGAAGGAAGCAGTGATGAAATAAGCAGTGGAG[T>TGGGG]GGGGGATAGTGAGAGTGAAGGCCTGAACAGCCCTGTCAAAGTTGCTCGAAAGCGGAAGAG-3'

ClinVar aggregate classification (germline): Pathogenic (1 of 4 stars; one submission).

Conditions:
Hereditary cancer-predisposing syndrome. Also called: Neoplastic Syndromes, Hereditary; Tumor predisposition; Hereditary Cancer Syndrome; Hereditary neoplastic syndrome. Identifiers: Orphanet 140162, MedGen C0027672, MeSH D009386, MONDO:0015356.

Submission:

Ambry Genetics
Classification: Pathogenic for Hereditary cancer-predisposing syndrome. Last evaluated: 2020-03-11. Review status: criteria provided, single submitter. Criteria: Ambry Variant Classification Scheme 2023. Collection method: clinical testing. Allele origin: germline.
Comment: The c.847_850dupGGGG pathogenic mutation, located in coding exon 4 of the MSH6 gene, results from a duplication of GGGG at nucleotide position 847, causing a translational frameshift with a predicted alternate stop codon (p.D284Gfs*3). This alteration is expected to result in loss of function by premature protein truncation or nonsense-mediated mRNA decay. As such, this alteration is interpreted as a disease-causing mutation.